The following is an entry in ClinVar:

NM_000268.4(NF2):c.23G>T (p.Arg8Leu)

Gene: NF2 (NF2, moesin-ezrin-radixin like (MERLIN) tumor suppressor; plus strand). Cytogenetic location: 22q12.2.
Variant type: single nucleotide variant.
Coding change: c.23G>T on transcript NM_000268.4 (MANE Select); coding-DNA position 23, G replaced by T.
Protein change: p.Arg8Leu; replaces arginine 8 with leucine.
Molecular consequence: missense variant. On other transcripts: non-coding transcript variant (1).
Genome position (GRCh38, 1-based): chr22:29,604,021, G>T. VCF-style: chr22-29604021-G-T. GRCh37 (hg19) VCF-style: chr22-30000010-G-T.
Other names: c.23G>T, p.Arg8Leu (NM_016418.5, NM_181825.3, NM_181828.3 and 5 more transcripts); short protein forms R8L.
Identifiers: ClinVar variation 1475296 (VCV001475296.11), dbSNP rs775564806, ClinGen allele CA411145799.

ClinVar aggregate classification (germline): Uncertain significance. Review status: criteria provided, multiple submitters, no conflicts (2 of 4 stars). 2 submissions from 2 submitters: Uncertain significance (2). Last evaluated 2024-11-21.

Conditions:
Hereditary cancer-predisposing syndrome. Also called: Tumor predisposition; Neoplastic Syndromes, Hereditary; Hereditary Cancer Syndrome; Hereditary neoplastic syndrome. Identifiers: Orphanet 140162, MedGen C0027672, MeSH D009386, MONDO:0015356.
Neurofibromatosis, type 2 (SWNV). Also called: BILATERAL ACOUSTIC NEUROFIBROMATOSIS; SCHWANNOMATOSIS, VESTIBULAR; NF2-Related Schwannomatosis. Identifiers: Orphanet 637, MedGen C0027832, MONDO:0007039, OMIM 101000. Disease mechanism: loss of function.

gnomAD v4.1: 2 of 1,594,860 alleles (0.00013%); highest among the groups gnomAD compares: African/African-American, 0.0013%; no homozygotes.

Submissions (2):

Ambry Genetics
Classification: Uncertain significance for Hereditary cancer-predisposing syndrome. Last evaluated: 2024-11-21. Review status: criteria provided, single submitter. Criteria: Ambry Variant Classification Scheme 2023. Collection method: clinical testing. Allele origin: germline.
Comment: The p.R8L variant (also known as c.23G>T), located in coding exon 1 of the NF2 gene, results from a G to T substitution at nucleotide position 23. The arginine at codon 8 is replaced by leucine, an amino acid with dissimilar properties. This amino acid position is highly conserved in available vertebrate species. In addition, this alteration is predicted to be deleterious by in silico analysis. Based on the available evidence, the clinical significance of this variant remains unclear.

Labcorp Genetics (formerly Invitae), Labcorp
Classification: Uncertain significance for Neurofibromatosis, type 2. Last evaluated: 2021-02-15. Review status: criteria provided, single submitter. Criteria: Invitae Variant Classification Sherloc (09022015). Collection method: clinical testing. Allele origin: germline.
Comment: This sequence change replaces arginine with leucine at codon 8 of the NF2 protein (p.Arg8Leu). The arginine residue is moderately conserved and there is a moderate physicochemical difference between arginine and leucine. This variant is not present in population databases (ExAC no frequency). This variant has not been reported in the literature in individuals with NF2-related conditions. Algorithms developed to predict the effect of missense changes on protein structure and function are either unavailable or do not agree on the potential impact of this missense change (SIFT: "Deleterious"; PolyPhen-2: "Benign"; Align-GVGD: "Class C0"). In summary, the available evidence is currently insufficient to determine the role of this variant in disease. Therefore, it has been classified as a Variant of Uncertain Significance.